The following is an entry in ClinVar:

ClinVar aggregate classification (germline): Pathogenic (1 of 4 stars; one submission).

Conditions:
Hydrocephalus, nonsyndromic, autosomal recessive 1 (HYC1). Also called: Hydrocephalus, nonsyndromic, autosomal recessive; Congenital hydrocephalus 1. Identifiers: Orphanet 2185, MedGen C3887608, MONDO:0009360, OMIM 236600.

Submission:

Myriad Genetics, Inc.
Classification: Pathogenic for Hydrocephalus, nonsyndromic, autosomal recessive 1. Last evaluated: 2025-12-14. Review status: criteria provided, single submitter. Criteria: Myriad Autosomal Dominant, Autosomal Recessive and X-Linked Classification Criteria (2023). Collection method: clinical testing. Allele origin: unknown.
Comment: NM_001080414.3(CCDC88C):c.1092delC(M365Cfs*6) is expected to be pathogenic in the context of congenital hydrocephalus, CCDC88C-related. This variant is predicted to lead to an abnormal or absent protein product due to the creation of a premature termination codon in CCDC88C, a gene where loss-of-function variants are known to be pathogenic. Please note: this variant was assessed in the context of healthy population screening.

NM_001080414.4(CCDC88C):c.1092del (p.Met365fs)

Gene: CCDC88C (coiled-coil and HOOK domain protein 88C; minus strand). Cytogenetic location: 14q32.11.
Variant type: Deletion.
Coding change: c.1092del on transcript NM_001080414.4 (MANE Select); coding-DNA position 1092, one base deleted (C; older notation c.1092delC).
Protein change: p.Met365fs; shifts the reading frame from methionine 365.
Molecular consequence: frameshift variant. On other transcripts: non-coding transcript variant (2).
Genome position (GRCh38, 1-based): chr14:91,326,015, G deleted on the plus strand (C on the coding strand, the reverse complement: CCDC88C is on the minus strand); the first of 2 consecutive G bases (chr14:91,326,015-91,326,016); deleting either gives the same sequence. VCF-style (leftmost placement, unchanged base first): chr14-91326014-TG-T. GRCh37 (hg19) VCF-style: chr14-91792358-TG-T.
Other names: short protein forms M365fs.
Identifiers: ClinVar variation 5015320 (VCV005015320.1).
Genomic context (GRCh38, chr14:91,326,014, plus strand): 5'-TTTCCAGCTCATGGACTTTATCGCCCCGGGCCCGAGCAGCAGTCAGCTGTTCCTCCAGCA[TG>T]GCCTTGGTTTCAATTAAAATGATATTATCTTCTCTCAGCTCCTGGTTAGCAAAAACATAC-3'